The following is an entry in ClinVar:

NM_033360.4(KRAS):c.31_32insGGC (p.Ala11delinsGlyPro)

Gene: KRAS (KRAS proto-oncogene, GTPase; minus strand). Cytogenetic location: 12p12.1.
Variant type: Insertion.
Coding change: c.31_32insGGC on transcript NM_033360.4; coding-DNA positions 31 to 32, GGC inserted.
Protein change: p.Ala11delinsGlyPro.
Molecular consequence: inframe indel.
Genome position: GRCh38 VCF-style: chr12-25245353-G-GGCC. GRCh37 (hg19) VCF-style: chr12-25398287-G-GGCC.
Other names: c.31_32insGGC, p.Ala11delinsGlyPro (LRG_344t1, LRG_344t2, NM_001369786.1 and 2 more transcripts).
Identifiers: ClinVar variation 424018 (VCV000424018.2), dbSNP rs1064796748, ClinGen allele CA16619504.

ClinVar aggregate classification (germline): Pathogenic (1 of 4 stars; one submission).

Submission:

GeneDx
Classification: Pathogenic. Last evaluated: 2017-02-24. Review status: criteria provided, single submitter. Criteria: GeneDx Variant Classification (06012015). Collection method: clinical testing. Allele origin: germline. Affected: yes.
Comment: The c.31_32insGGC pathogenic variant in the KRAS gene has not been reported previously as a pathogenic variant, nor as a benign variant, to our knowledge. The c.31_32insGGC variant causes an in-frame deletion of one amino acid, Alanine 11, and insertion at the same location of two amino acids, Glycine and Proline, denoted p.Ala11delinsGlyPro. This amino acid change occurs at a position in the GTP-binding region that is conserved across species. In silico analysis is inconsistent in its predictions as to whether or not the variant is damaging to the protein structure/function. The c.31_32insGGC variant is not observed in large population cohorts (Lek et al., 2016; 1000 Genomes Consortium et al., 2015; Exome Variant Server). We interpret c.31_32insGGC as a pathogenic variant.